The following is an entry in ClinVar:

NM_133379.5(TTN):c.14902G>A (p.Asp4968Asn)

Genes: TTN (titin; minus strand), LOC126806432 (CDK7 strongly-dependent group 2 enhancer GRCh37_chr2:179611985-179613184; plus strand). Cytogenetic location: 2q31.2.
Variant type: single nucleotide variant.
Coding change: c.14902G>A on transcript NM_133379.5; coding-DNA position 14902, G replaced by A.
Protein change: p.Asp4968Asn; replaces aspartic acid 4968 with asparagine.
Molecular consequence: missense variant. On other transcripts: intron variant (6).
Genome position (GRCh38, 1-based): chr2:178,747,498, C>T on the plus strand (G>A on the coding strand, the complement: TTN is on the minus strand). VCF-style: chr2-178747498-C-T. GRCh37 (hg19) VCF-style: chr2-179612225-C-T.
Other names: c.10223-5577G>A (NM_003319.4); c.10799-5577G>A (NM_133437.4); c.10598-5577G>A (NM_133432.3); c.10360+5626G>A (NM_133378.4); c.10361-5577G>A (NM_001256850.1); c.11312-5577G>A (NM_001267550.2); short protein forms D4968N.
Identifiers: ClinVar variation 47779 (VCV000047779.27), dbSNP rs371444691, ClinGen allele CA141880.

ClinVar aggregate classification (germline): Conflicting classifications of pathogenicity. Review status: criteria provided, conflicting classifications (1 of 4 stars). 2 submissions from 2 submitters: Uncertain significance (1); Likely benign (1). Last evaluated 2023-12-01.

Allele frequency attached by ClinVar (database versions not stated): gnomAD 0.00001 and 0.00004; TOPMed 0.00002; gnomAD exomes 0.00014 and 0.00027; 1000 Genomes Project 30x 0.00016; 1000 Genomes Project 0.00020; ExAC 0.00031.
gnomAD v4.1: 213 of 1,613,392 alleles (0.013%); highest among the groups gnomAD compares: South Asian, 0.22%; 2 homozygotes.

Submissions (2):

CeGaT Center for Human Genetics Tuebingen
Classification: Likely benign. Last evaluated: 2023-12-01. Review status: criteria provided, single submitter. Criteria: CeGaT Center For Human Genetics Tuebingen Variant Classification Criteria Version 2. Collection method: clinical testing. Allele origin: germline. Affected: yes. Observed: 1 variant allele.
Comment: TTN: BP4, BS2

Laboratory for Molecular Medicine, Mass General Brigham Personalized Medicine
Classification: Uncertain significance. Last evaluated: 2012-11-20. Review status: criteria provided, single submitter. Criteria: LMM Criteria. Collection method: clinical testing. Allele origin: germline. Observed: 3 variant alleles.
Comment: The Asp4968Asn variant in TTN has not been reported in the literature, but has b een identified in two Asian individuals with cardiomyopathy tested by our labora tory. Computational analyses are limited or unavailable for this variant. Additi onal data is needed to determine its clinical significance.